The following is an entry in ClinVar:

NM_018480.7(TMEM126B):c.440T>C (p.Ile147Thr)

Gene: TMEM126B (transmembrane protein 126B; plus strand). Cytogenetic location: 11q14.1.
Variant type: single nucleotide variant.
Coding change: c.440T>C on transcript NM_018480.7 (MANE Select); coding-DNA position 440, T replaced by C.
Protein change: p.Ile147Thr; replaces isoleucine 147 with threonine.
Molecular consequence: missense variant. On other transcripts: non-coding transcript variant (2).
Genome position (GRCh38, 1-based): chr11:85,635,709, T>C. VCF-style: chr11-85635709-T-C. GRCh37 (hg19) VCF-style: chr11-85346753-T-C.
Other names: c.440T>C (NM_018480.4); c.380T>C, p.Ile127Thr (NM_001193537.3); c.350T>C, p.Ile117Thr (NM_001193538.3, NM_001256546.2); c.302T>C, p.Ile101Thr (NM_001256547.2); c.215T>C, p.Ile72Thr (NM_001350393.1); short protein forms I127T, I72T, I147T, I101T, I117T.
Identifiers: ClinVar variation 2182182 (VCV002182182.5), dbSNP rs375039927, ClinGen allele CA6212516.

ClinVar aggregate classification (germline): Uncertain significance. Review status: criteria provided, multiple submitters, no conflicts (2 of 4 stars). 2 submissions from 2 submitters: Uncertain significance (2). Last evaluated 2023-07-24.

Allele frequency attached by ClinVar (database versions not stated): gnomAD 0.00003; gnomAD exomes 0.00003; TOPMed 0.00004; ExAC 0.00006; ESP Exome Variant Server 0.00015.
gnomAD v4.1: 52 of 1,608,348 alleles (0.0032%); highest among the groups gnomAD compares: Middle Eastern, 0.033%; no homozygotes.

Submissions (2):

GeneDx
Classification: Uncertain significance. Last evaluated: 2023-07-24. Review status: criteria provided, single submitter. Criteria: GeneDx Variant Classification Process June 2021. Collection method: clinical testing. Allele origin: germline. Affected: yes.
Comment: Not observed at significant frequency in large population cohorts (gnomAD); In silico analysis supports that this missense variant has a deleterious effect on protein structure/function; Has not been previously published as pathogenic or benign to our knowledge

Labcorp Genetics (formerly Invitae), Labcorp
Classification: Uncertain significance. Last evaluated: 2021-12-13. Review status: criteria provided, single submitter. Criteria: Invitae Variant Classification Sherloc (09022015). Collection method: clinical testing. Allele origin: germline.
Comment: This sequence change replaces isoleucine, which is neutral and non-polar, with threonine, which is neutral and polar, at codon 147 of the TMEM126B protein (p.Ile147Thr). In summary, the available evidence is currently insufficient to determine the role of this variant in disease. Therefore, it has been classified as a Variant of Uncertain Significance. Algorithms developed to predict the effect of missense changes on protein structure and function are either unavailable or do not agree on the potential impact of this missense change (SIFT: "Deleterious"; PolyPhen-2: "Possibly Damaging"; Align-GVGD: "Class C0"). This variant has not been reported in the literature in individuals affected with TMEM126B-related conditions. This variant is present in population databases (rs375039927, gnomAD 0.01%).